The following is an entry in ClinVar:

NM_006306.4(SMC1A):c.2146C>T (p.Gln716Ter)

Gene: SMC1A (structural maintenance of chromosomes 1A; minus strand). Cytogenetic location: Xp11.22.
Variant type: single nucleotide variant.
Coding change: c.2146C>T on transcript NM_006306.4 (MANE Select); coding-DNA position 2146, C replaced by T.
Protein change: p.Gln716Ter; replaces glutamine 716 with a stop codon.
Molecular consequence: nonsense.
Genome position (GRCh38, 1-based): chrX:53,405,062, G>A on the plus strand (C>T on the coding strand, the complement: SMC1A is on the minus strand). VCF-style: chrX-53405062-G-A. GRCh37 (hg19) VCF-style: chrX-53431994-G-A.
Other names: c.2080C>T, p.Gln694Ter (NM_001281463.1); short protein forms Q694*, Q716*.
Identifiers: ClinVar variation 2012610 (VCV002012610.4), dbSNP rs2520926208, ClinGen allele CA413251724.

ClinVar aggregate classification (germline): Pathogenic (1 of 4 stars; one submission).

Conditions:
Congenital muscular hypertrophy-cerebral syndrome (CDLS2). Also called: Cornelia de Lange syndrome 2; SMC1A-Related Cornelia de Lange Syndrome. Identifiers: Orphanet 199, MedGen C1802395, MONDO:0010370, OMIM 300590.

Submission:

Labcorp Genetics (formerly Invitae), Labcorp
Classification: Pathogenic for Congenital muscular hypertrophy-cerebral syndrome. Last evaluated: 2022-07-01. Review status: criteria provided, single submitter. Criteria: Invitae Variant Classification Sherloc (09022015). Collection method: clinical testing. Allele origin: germline.
Comment: For these reasons, this variant has been classified as Pathogenic. This variant has not been reported in the literature in individuals affected with SMC1A-related conditions. This variant is not present in population databases (gnomAD no frequency). This sequence change creates a premature translational stop signal (p.Gln716*) in the SMC1A gene. It is expected to result in an absent or disrupted protein product. Loss-of-function variants in SMC1A are known to be pathogenic (PMID: 26386245, 27334371, 28166369, 28548707, 31334757).

Literature cited by the submitters: PubMed 26386245; PubMed 27334371; PubMed 28166369; PubMed 28548707; PubMed 31334757.